The following is an entry in ClinVar:

ClinVar aggregate classification (germline): Benign. Review status: criteria provided, single submitter (1 of 4 stars). 2 submissions from 2 submitters: Benign (1). 1 of the submissions does not count toward it. Last evaluated 2026-01-05.

Conditions:
FOXL2-related disorder. Also called: FOXL2-related condition.

Allele frequency attached by ClinVar (database versions not stated): TOPMed 0.00026; gnomAD 0.00028 and 0.00031; gnomAD exomes 0.00065; ExAC 0.00128.

Submissions (2):

Labcorp Genetics (formerly Invitae), Labcorp
Classification: Benign. Last evaluated: 2026-01-05. Review status: criteria provided, single submitter. Criteria: Invitae Variant Classification Sherloc (09022015). Collection method: clinical testing. Allele origin: germline.

PreventionGenetics, part of Exact Sciences
Classification: Benign for FOXL2-related condition. Last evaluated: 2019-04-09. Review status: no assertion criteria provided. Collection method: clinical testing. Allele origin: germline. Not counted in ClinVar's aggregate classification.
Comment: This variant is classified as benign based on ACMG/AMP sequence variant interpretation guidelines (Richards et al. 2015 PMID: 25741868, with internal and published modifications).

NM_023067.4(FOXL2):c.614C>G (p.Pro205Arg)

Gene: FOXL2 (forkhead box L2; minus strand). Cytogenetic location: 3q22.3.
Variant type: single nucleotide variant.
Coding change: c.614C>G on transcript NM_023067.4 (MANE Select); coding-DNA position 614, C replaced by G.
Protein change: p.Pro205Arg; replaces proline 205 with arginine.
Molecular consequence: missense variant.
Genome position (GRCh38, 1-based): chr3:138,946,109, G>C on the plus strand (C>G on the coding strand, the complement: FOXL2 is on the minus strand). VCF-style: chr3-138946109-G-C. GRCh37 (hg19) VCF-style: chr3-138664951-G-C.
Other names: c.614C>G (NM_023067.3); short protein forms P205R.
Identifiers: ClinVar variation 1600652 (VCV001600652.10), dbSNP rs758494065, ClinGen allele CA2639750.